The following is an entry in ClinVar:

NM_003072.5(SMARCA4):c.981A>C (p.Pro327=)

Gene: SMARCA4 (SWI/SNF related BAF chromatin remodeling complex subunit ATPase 4; plus strand). Cytogenetic location: 19p13.2.
Variant type: single nucleotide variant.
Coding change: c.981A>C on transcript NM_003072.5 (MANE Select); coding-DNA position 981, A replaced by C.
Protein change: p.Pro327=; no amino-acid change (proline 327 retained).
Molecular consequence: synonymous variant. On other transcripts: non-coding transcript variant (1).
Genome position (GRCh38, 1-based): chr19:10,987,787, A>C. VCF-style: chr19-10987787-A-C. GRCh37 (hg19) VCF-style: chr19-11098463-A-C.
Other names: c.981A>C (NM_001128849.2); c.981A>C, p.Pro327= (NM_001128844.3, NM_001128845.2, NM_001128846.2 and 5 more transcripts).
Identifiers: ClinVar variation 212262 (VCV000212262.65), dbSNP rs547268941, ClinGen allele CA207777.

ClinVar aggregate classification (germline): Benign/Likely benign. Review status: criteria provided, multiple submitters, no conflicts (2 of 4 stars). 16 submissions from 16 submitters: Benign (10); Likely benign (3). 3 of the submissions do not count toward it. Last evaluated 2026-07-01.

Conditions:
Coffin-Siris syndrome. Identifiers: Orphanet 1465, MedGen C0265338, MONDO:0015452.
Intellectual disability, autosomal dominant 16 (CSS4). Also called: COFFIN-SIRIS SYNDROME 4. Identifiers: Orphanet 1465, MedGen C3553249, MONDO:0013821, OMIM 614609.
Rhabdoid tumor predisposition syndrome 2 (RTPS2). Identifiers: Orphanet 231108, Orphanet 69077, MedGen C2750074, MONDO:0013224, OMIM 613325.
SMARCA4-related disorder. Also called: SMARCA4-related condition.
Hereditary cancer-predisposing syndrome. Also called: Neoplastic Syndromes, Hereditary; Tumor predisposition; Hereditary Cancer Syndrome; Hereditary neoplastic syndrome. Identifiers: Orphanet 140162, MedGen C0027672, MeSH D009386, MONDO:0015356.

Allele frequency attached by ClinVar (database versions not stated): 1000 Genomes Project 0.00200; 1000 Genomes Project 30x 0.00219; TOPMed 0.00222; gnomAD 0.00233 and 0.00245; gnomAD exomes 0.00300; ExAC 0.00304.
gnomAD v4.1: 4,609 of 1,599,206 alleles (0.29%); highest among the groups gnomAD compares: South Asian, 0.39%; 13 homozygotes.

Submissions (16):

CeGaT Center for Human Genetics Tuebingen
Classification: Likely benign. Last evaluated: 2026-07-01. Review status: criteria provided, single submitter. Criteria: CeGaT Center For Human Genetics Tuebingen Variant Classification Criteria Version 2. Collection method: clinical testing. Allele origin: germline. Affected: yes. Observed: 27 variant alleles.
Comment: SMARCA4: BP4, BP7, BS1

Labcorp Genetics (formerly Invitae), Labcorp
Classification: Benign for Rhabdoid tumor predisposition syndrome 2. Last evaluated: 2026-02-03. Review status: criteria provided, single submitter. Criteria: Invitae Variant Classification Sherloc (09022015). Collection method: clinical testing. Allele origin: germline.

Myriad Genetics, Inc.
Classification: Benign for Rhabdoid tumor predisposition syndrome 2. Last evaluated: 2026-01-27. Review status: criteria provided, single submitter. Criteria: Myriad Autosomal Dominant, Autosomal Recessive and X-Linked Classification Criteria (2023). Collection method: clinical testing. Allele origin: unknown.
Comment: This variant is considered benign. This variant has been observed at a population frequency that is significantly greater than expected given the associated disease prevalence and penetrance. Homozygosity has been confirmed in one or more individuals. As homozygosity for pathogenic variants in this gene is generally assumed to result in embryonic lethality, this variant is unlikely to be pathogenic.

Quest Diagnostics Nichols Institute San Juan Capistrano
Classification: Benign. Last evaluated: 2025-08-08. Review status: criteria provided, single submitter. Criteria: Quest Diagnostics criteria. Collection method: clinical testing. Allele origin: unknown.

ARUP Laboratories, Molecular Genetics and Genomics, ARUP Laboratories
Classification: Benign. Last evaluated: 2025-04-08. Review status: criteria provided, single submitter. Criteria: ARUP Molecular Germline Variant Investigation Process 2024. Collection method: clinical testing. Allele origin: germline.

Blueprint Genetics
Classification: Benign. Last evaluated: 2024-11-27. Review status: criteria provided, single submitter. Criteria: ACMG Guidelines, 2015. Collection method: clinical testing. Allele origin: germline.

Department of Pathology and Laboratory Medicine, Sinai Health System
Classification: Benign for Coffin-Siris syndrome. Last evaluated: 2023-04-25. Review status: criteria provided, single submitter. Criteria: ACMG Guidelines, 2015. Collection method: clinical testing. Allele origin: germline. Affected: yes.

Genome-Nilou Lab
Classification: Benign for Intellectual disability, autosomal dominant 16. Last evaluated: 2021-07-15. Review status: criteria provided, single submitter. Criteria: ACMG Guidelines, 2015. Collection method: clinical testing. Allele origin: germline. Affected: no.

GeneDx
Classification: Benign. Last evaluated: 2018-07-11. Review status: criteria provided, single submitter. Criteria: GeneDx Variant Classification Process June 2021. Collection method: clinical testing. Allele origin: germline. Affected: yes.
Comment: This variant is associated with the following publications: (PMID: 15756273)

Illumina Laboratory Services, Illumina
Classification: Benign for Coffin-Siris syndrome. Last evaluated: 2018-01-12. Review status: criteria provided, single submitter. Criteria: ICSL Variant Classification Criteria 13 December 2019. Collection method: clinical testing. Allele origin: germline.
Comment: This variant was observed in the ICSL laboratory as part of a predisposition screen in an ostensibly healthy population. It had not been previously curated by ICSL or reported in the Human Gene Mutation Database (HGMD: prior to June 1st, 2018), and was therefore a candidate for classification through an automated scoring system. Utilizing variant allele frequency, disease prevalence and penetrance estimates, and inheritance mode, an automated score was calculated to assess if this variant is too frequent to cause the disease. Based on the score and internal cut-off values, a variant classified as benign is not then subjected to further curation. The score for this variant resulted in a classification of benign for this disease.

Ambry Genetics
Classification: Likely benign for Hereditary cancer-predisposing syndrome. Last evaluated: 2016-05-31. Review status: criteria provided, single submitter. Criteria: Ambry Variant Classification Scheme 2023. Collection method: clinical testing. Allele origin: germline.

Genetic Services Laboratory, University of Chicago
Classification: Benign. Last evaluated: 2016-03-17. Review status: criteria provided, single submitter. Criteria: ACMG Guidelines, 2015. Collection method: clinical testing. Allele origin: germline. Affected: no.

Breakthrough Genomics
Classification: Likely benign. Review status: criteria provided, single submitter. Criteria: ACMG Guidelines, 2015. Collection method: not provided. Allele origin: germline. Inheritance: Autosomal dominant inheritance. Affected: yes.

PreventionGenetics, part of Exact Sciences
Classification: Benign for SMARCA4-related condition. Last evaluated: 2019-09-13. Review status: no assertion criteria provided. Collection method: clinical testing. Allele origin: germline. Not counted in ClinVar's aggregate classification.
Comment: This variant is classified as benign based on ACMG/AMP sequence variant interpretation guidelines (Richards et al. 2015 PMID: 25741868, with internal and published modifications).

Clinical Genetics DNA and cytogenetics Diagnostics Lab, Erasmus MC, Erasmus Medical Center
Classification: Likely benign. Review status: no assertion criteria provided. Collection method: clinical testing. Allele origin: germline. Affected: yes. Study: VKGL Data-share Consensus. Not counted in ClinVar's aggregate classification.

Genome Diagnostics Laboratory, Amsterdam University Medical Center
Classification: Benign. Review status: no assertion criteria provided. Collection method: clinical testing. Allele origin: germline. Affected: yes. Study: VKGL Data-share Consensus. Not counted in ClinVar's aggregate classification.

Literature cited by the submitters: PubMed 15756273 (cited by Quest Diagnostics Nichols Institute San Juan Capistrano).